The following continues an entry in ClinVar:

NM_002878.4(RAD51D):c.394G>A (p.Val132Ile)

ClinVar aggregate classification (germline): Conflicting classifications of pathogenicity. Uncertain significance (8); Likely benign (5).

Submissions 12 to 15 of 15:

University of Washington Department of Laboratory Medicine, University of Washington
Classification: Likely benign for Breast-ovarian cancer, familial 4. Last evaluated: 2018-05-09. Review status: criteria provided, single submitter. Criteria: Tsai GJ et al. (Genet Med 2018). Collection method: research. Allele origin: germline. Inheritance: Autosomal dominant inheritance. Affected: yes.
Comment: The RAD51D variant designated as NM_002878.3:c.394G>A (p.Val132Ile) is classified as likely benign. This variant is listed in ClinVar (Variation ID: 141739) and has been classified as likely benign by another laboratory. Computer software programs (SIFT, Polyphen-2, Align-GVGD) all predict that this variant is likely to be tolerated. Bayesian analysis integrating all of this data (Tavtigian et al, 2018, PMID:29300386) gives about a 3% probability of pathogenicity, which is consistent with a classification of likely benign. This variant is not predicted to alter RAD51D function or modify cancer risk. A modest (less than 2 fold) increase in cancer risk due to this variant cannot be entirely excluded. This analysis was performed in conjunction with the family studies project as part of the University of Washington Find My Variant Study.

Women's Health and Genetics/Laboratory Corporation of America, LabCorp
Classification: Uncertain significance. Last evaluated: 2017-04-20. Review status: criteria provided, single submitter. Criteria: LabCorp Variant Classification Summary - May 2015. Collection method: clinical testing. Allele origin: germline.
Comment: Variant summary: The c.394G>A (p.Val132Ile) in RAD51D gene is a missense change that involves a non-conserved nucleotide. Although the variant is located within the ATP binding site of conserved domain Rad51_DMC1_radA, 4/5 in silico tools predict benign outcome. The variant is present in the large control population dataset of ExAC and gnomAD at a similar frequencies of 0.00007 (9/121398 and 17/277162 chrs tested, respectively), predominantly in individuals of African descent (0.0002884; 3/10404 and 6/24020 chrs tested) which exceeds the maximal expected frequency of a pathogenic allele (0.00012) in this gene. The variant has been reported in at least 1 sporadic brC case (Kraus, 2017) and 2 BrC families without strong evidence for causality (Thompson, 2013; Song, 2015). Lastly, several reputable databases/clinical laboratories cite the variant with classification of VUS but favoring the benign nature of this change. Taking all line of evidence into consideration, the variant was conservatively classified as VUS-Possibly Benign.

Counsyl
Classification: Uncertain significance for Breast-ovarian cancer, familial, susceptibility to, 4. Last evaluated: 2017-03-06. Review status: no assertion criteria provided. Collection method: clinical testing. Allele origin: unknown. Not counted in ClinVar's aggregate classification.

Department of Pathology and Laboratory Medicine, Sinai Health System
Classification: Uncertain significance for Malignant tumor of breast. Review status: no assertion criteria provided. Collection method: clinical testing. Allele origin: unknown. Affected: yes. Study: The Canadian Open Genetics Repository (COGR). Not counted in ClinVar's aggregate classification.
Comment: The RAD51D p.Val132Ile variant was identified in 4 of 10,140 proband chromosomes (frequency: 0.0004) from individuals with breast and ovarian cancer and was not identified in 6476 control chromosomes from healthy individuals (Kraus 2017, Thompson 2013, Song 2015). The variant was identified in dbSNP (rs201141245) as â€šÃ„Ãºwith uncertain significance alleleâ€šÃ„Ã¹, in ClinVar (interpreted as "uncertain significance" by Invitae and 4 others, "likely benign" by Ambry Genetics and 3 others). The variant was identified in control databases in 17 of 277,162 chromosomes at a frequency of 0.00006 (Genome Aggregation Database Feb 27, 2017). The variant was observed in the following populations: African in 6 of 24,020 chromosomes (freq: 0.0003), Latino in 4 of 34,418 chromosomes (freq: 0.0001), European in 6 of 126,668 chromosomes (freq: 0.00005), Finnish in 1 of 25,788 chromosomes (freq: 0.00004); it was not observed in the â€šÃ„ÃºOtherâ€šÃ„Ã¹, Ashkenazi Jewish, East Asian and South Asian populations. The p.Val132 residue is conserved in in mammals but not in more distantly related organisms however computational analyses (PolyPhen-2, SIFT, AlignGVGD, BLOSUM, MutationTaster) do not suggest a high likelihood of impact to the protein; this information is not predictive enough to rule out pathogenicity. The variant occurs outside of the splicing consensus sequence and in silico or computational prediction software programs (SpliceSiteFinder, MaxEntScan, NNSPLICE, GeneSplicer) do not predict a difference in splicing. In summary, based on the above information the clinical significance of this variant cannot be determined with certainty at this time. This variant is classified as a variant of uncertain significance.

Literature cited by the submitters: PubMed 23372765 (cited by 6 submitters); PubMed 26261251 (cited by 5 submitters); PubMed 27616075 (cited by 5 submitters); PubMed 32426482 (cited by 3 submitters); PubMed 33471991 (cited by Quest Diagnostics Nichols Institute San Juan Capistrano and Sema4); PubMed 31159747 (cited by Quest Diagnostics Nichols Institute San Juan Capistrano and Sema4); PubMed 35534704 (cited by Quest Diagnostics Nichols Institute San Juan Capistrano); PubMed 30374176 (cited by Quest Diagnostics Nichols Institute San Juan Capistrano and Sema4); PubMed 36243179 (cited by Quest Diagnostics Nichols Institute San Juan Capistrano); PubMed 25085752 (cited by Myriad Genetics, Inc.).